The following is an entry in ClinVar:

ClinVar aggregate classification (germline): Conflicting classifications of pathogenicity. Review status: criteria provided, conflicting classifications (1 of 4 stars). 2 submissions from 2 submitters: Uncertain significance (1); Likely benign (1). Last evaluated 2024-09-20.

Conditions:
Hydrocephalus, nonsyndromic, autosomal recessive 2. Also called: Hydrocephalus, congenital, 2, with or without brain or eye anomalies. Identifiers: Orphanet 2185, MedGen C3554691, MONDO:0014085, OMIM 615219.

Allele frequency attached by ClinVar (database versions not stated): TOPMed below 0.00001; gnomAD 0.00003; gnomAD exomes 0.00006 and 0.00019; ExAC 0.00022.
gnomAD v4.1: 97 of 1,612,096 alleles (0.006%); highest among the groups gnomAD compares: South Asian, 0.093%; no homozygotes.

Submissions (2):

3billion
Classification: Likely benign for Hydrocephalus, nonsyndromic, autosomal recessive 2. Last evaluated: 2024-09-20. Review status: criteria provided, single submitter. Criteria: ACMG Guidelines, 2015. Collection method: clinical testing. Allele origin: germline. Affected: no.
Comment: The homozygous variant was found in patients diagnosed with another variant in a different gene, with no symptoms related to the gene containing the homozygous variant.

Labcorp Genetics (formerly Invitae), Labcorp
Classification: Uncertain significance. Last evaluated: 2024-01-19. Review status: criteria provided, single submitter. Criteria: Invitae Variant Classification Sherloc (09022015). Collection method: clinical testing. Allele origin: germline.
Comment: This sequence change replaces glycine, which is neutral and non-polar, with glutamic acid, which is acidic and polar, at codon 294 of the MPDZ protein (p.Gly294Glu). This variant is present in population databases (rs768539794, gnomAD 0.1%). This variant has not been reported in the literature in individuals affected with MPDZ-related conditions. ClinVar contains an entry for this variant (Variation ID: 1433569). An algorithm developed to predict the effect of missense changes on protein structure and function (PolyPhen-2) suggests that this variant is likely to be disruptive. In summary, the available evidence is currently insufficient to determine the role of this variant in disease. Therefore, it has been classified as a Variant of Uncertain Significance.

NM_001378778.1(MPDZ):c.881G>A (p.Gly294Glu)

Gene: MPDZ (multiple PDZ domain crumbs cell polarity complex component; minus strand). Cytogenetic location: 9p23.
Variant type: single nucleotide variant.
Coding change: c.881G>A on transcript NM_001378778.1 (MANE Select); coding-DNA position 881, G replaced by A.
Protein change: p.Gly294Glu; replaces glycine 294 with glutamic acid.
Molecular consequence: missense variant.
Genome position (GRCh38, 1-based): chr9:13,219,764, C>T on the plus strand (G>A on the coding strand, the complement: MPDZ is on the minus strand). VCF-style: chr9-13219764-C-T. GRCh37 (hg19) VCF-style: chr9-13219763-C-T.
Other names: c.881G>A, p.Gly294Glu (NM_001261406.2, NM_001261407.2, NM_001330637.2 and 14 more transcripts); short protein forms G294E.
Identifiers: ClinVar variation 1433569 (VCV001433569.8), dbSNP rs768539794, ClinGen allele CA4987966.